The following is an entry in ClinVar:

NM_001167.4(XIAP):c.124G>A (p.Val42Ile)

Gene: XIAP (X-linked inhibitor of apoptosis; plus strand). Cytogenetic location: Xq25.
Variant type: single nucleotide variant.
Coding change: c.124G>A on transcript NM_001167.4 (MANE Select); coding-DNA position 124, G replaced by A.
Protein change: p.Val42Ile; replaces valine 42 with isoleucine.
Molecular consequence: missense variant.
Genome position (GRCh38, 1-based): chrX:123,885,786, G>A. VCF-style: chrX-123885786-G-A. GRCh37 (hg19) VCF-style: chrX-123019636-G-A.
Other names: c.124G>A, p.Val42Ile (NM_001204401.2, NM_001378590.1, NM_001378591.1 and 1 more transcripts); short protein forms V42I.
Identifiers: ClinVar variation 2823021 (VCV002823021.3), dbSNP rs1236823622, ClinGen allele CA414122765.

ClinVar aggregate classification (germline): Uncertain significance (1 of 4 stars; one submission).

Conditions:
X-linked lymphoproliferative disease due to XIAP deficiency. Also called: XIAP DEFICIENCY; XIAP-Related Lymphoproliferative Disease, X-Linked. Identifiers: Orphanet 2442, Orphanet 538934, MedGen C1845076, MONDO:0010385, OMIM 300635.

Allele frequency attached by ClinVar (database versions not stated): gnomAD exomes below 0.00001; TOPMed below 0.00001.
gnomAD v4.1: 2 of 1,211,970 alleles (0.00017%); highest among the groups gnomAD compares: Non-Finnish European, 0.00022%; no homozygotes.

Submission:

Labcorp Genetics (formerly Invitae), Labcorp
Classification: Uncertain significance for X-linked lymphoproliferative disease due to XIAP deficiency. Last evaluated: 2023-07-28. Review status: criteria provided, single submitter. Criteria: Invitae Variant Classification Sherloc (09022015). Collection method: clinical testing. Allele origin: germline.
Comment: In summary, the available evidence is currently insufficient to determine the role of this variant in disease. Therefore, it has been classified as a Variant of Uncertain Significance. Advanced modeling of protein sequence and biophysical properties (such as structural, functional, and spatial information, amino acid conservation, physicochemical variation, residue mobility, and thermodynamic stability) performed at Invitae indicates that this missense variant is not expected to disrupt XIAP protein function. This variant has not been reported in the literature in individuals affected with XIAP-related conditions. This variant is not present in population databases (gnomAD no frequency). This sequence change replaces valine, which is neutral and non-polar, with isoleucine, which is neutral and non-polar, at codon 42 of the XIAP protein (p.Val42Ile).